The following is an entry in ClinVar:

NM_032119.4(ADGRV1):c.15522C>T (p.Asn5174=)

Gene: ADGRV1 (adhesion G protein-coupled receptor V1; plus strand). Cytogenetic location: 5q14.3.
Variant type: single nucleotide variant.
Coding change: c.15522C>T on transcript NM_032119.4 (MANE Select); coding-DNA position 15522, C replaced by T.
Protein change: p.Asn5174=; no amino-acid change (asparagine 5174 retained).
Molecular consequence: synonymous variant. On other transcripts: non-coding transcript variant (1).
Genome position (GRCh38, 1-based): chr5:90,810,782, C>T. VCF-style: chr5-90810782-C-T. GRCh37 (hg19) VCF-style: chr5-90106599-C-T.
Other names: c.15522C>T (NM_032119.3).
Identifiers: ClinVar variation 1108432 (VCV001108432.12), dbSNP rs774038626, ClinGen allele CA3341937.

ClinVar aggregate classification (germline): Likely benign. Review status: criteria provided, multiple submitters, no conflicts (2 of 4 stars). 3 submissions from 3 submitters: Likely benign (3). Last evaluated 2025-08-29.

Conditions:
ADGRV1-related disorder. Also called: ADGRV1-related condition; ADGRV1-related disorders.

Allele frequency attached by ClinVar (database versions not stated): gnomAD 0.00001; TOPMed 0.00001.
gnomAD v4.1: 28 of 1,613,788 alleles (0.0017%); highest among the groups gnomAD compares: Admixed American, 0.0033%; no homozygotes.

Submissions (3):

PreventionGenetics, part of Exact Sciences
Classification: Likely benign for ADGRV1-related condition. Last evaluated: 2025-08-29. Review status: criteria provided, single submitter. Criteria: ACMG Guidelines, 2015. Collection method: clinical testing. Allele origin: germline.
Comment: This variant is classified as likely benign based on ACMG/AMP sequence variant interpretation guidelines (Richards et al. 2015 PMID: 25741868, with internal and published modifications).

Labcorp Genetics (formerly Invitae), Labcorp
Classification: Likely benign. Last evaluated: 2025-03-10. Review status: criteria provided, single submitter. Criteria: Invitae Variant Classification Sherloc (09022015). Collection method: clinical testing. Allele origin: germline.

Blueprint Genetics
Classification: Likely benign. Last evaluated: 2024-10-14. Review status: criteria provided, single submitter. Criteria: ACMG Guidelines, 2015. Collection method: clinical testing. Allele origin: germline.